The following is an entry in ClinVar:

ClinVar aggregate classification (germline): Uncertain significance (1 of 4 stars; one submission).

Conditions:
Autosomal recessive limb-girdle muscular dystrophy type 2J (LGMDR10). Also called: Limb-girdle muscular dystrophy, type 2J; MUSCULAR DYSTROPHY, LIMB-GIRDLE, AUTOSOMAL RECESSIVE 10. Identifiers: Orphanet 140922, MedGen C1837342, MONDO:0012127, OMIM 608807.
Dilated cardiomyopathy 1G (CMD1G). Identifiers: Orphanet 154, MedGen C1858763, MONDO:0011400, OMIM 604145.

gnomAD v4.1: 1 of 1,612,672 alleles (0.000062%); highest among the groups gnomAD compares: Non-Finnish European, 0.000085%; no homozygotes.

Submission:

Labcorp Genetics (formerly Invitae), Labcorp
Classification: Uncertain significance for Dilated cardiomyopathy 1G; Autosomal recessive limb-girdle muscular dystrophy type 2J. Last evaluated: 2025-09-30. Review status: criteria provided, single submitter. Criteria: Invitae Variant Classification Sherloc (09022015). Collection method: clinical testing. Allele origin: germline.
Comment: This sequence change replaces serine, which is neutral and polar, with proline, which is neutral and non-polar, at codon 35710 of the TTN protein (p.Ser35710Pro). This variant is not present in population databases (gnomAD no frequency). This variant has not been reported in the literature in individuals affected with TTN-related conditions. Experimental studies and prediction algorithms are not available or were not evaluated, and the functional significance of this variant is currently unknown. This variant is located in the M band of TTN (PMID: 25589632). Non-truncating variants in this region may be relevant for neuromuscular disorders, but have not been definitively shown to cause cardiomyopathy (PMID: 23975875). In summary, the available evidence is currently insufficient to determine the role of this variant in disease. Therefore, it has been classified as a Variant of Uncertain Significance.

Literature cited by the submitters: PubMed 25589632; PubMed 23975875.

NM_001267550.2(TTN):c.107128T>C (p.Ser35710Pro)

Genes: TTN (titin; minus strand), TTN-AS1 (TTN antisense RNA 1; plus strand). Cytogenetic location: 2q31.2.
Variant type: single nucleotide variant.
Coding change: c.107128T>C on transcript NM_001267550.2 (MANE Select); coding-DNA position 107128, T replaced by C.
Protein change: p.Ser35710Pro; replaces serine 35710 with proline.
Molecular consequence: missense variant.
Genome position (GRCh38, 1-based): chr2:178,528,623, A>G on the plus strand (T>C on the coding strand, the complement: TTN is on the minus strand). VCF-style: chr2-178528623-A-G. GRCh37 (hg19) VCF-style: chr2-179393350-A-G.
Other names: c.102205T>C, p.Ser34069Pro (NM_001256850.1); c.79933T>C, p.Ser26645Pro (NM_003319.4); c.99424T>C, p.Ser33142Pro (NM_133378.4); c.80308T>C, p.Ser26770Pro (NM_133432.3); c.80509T>C, p.Ser26837Pro (NM_133437.4); short protein forms S33142P, S26837P, S34069P, S35710P, S26645P, S26770P.
Identifiers: ClinVar variation 4786204 (VCV004786204.1).